The following is an entry in ClinVar:

NM_001199138.2(NLRC4):c.1460A>G (p.Tyr487Cys)

Gene: NLRC4 (NLR family CARD domain containing 4; minus strand). Cytogenetic location: 2p22.3.
Variant type: single nucleotide variant.
Coding change: c.1460A>G on transcript NM_001199138.2 (MANE Select); coding-DNA position 1460, A replaced by G.
Protein change: p.Tyr487Cys; replaces tyrosine 487 with cysteine.
Molecular consequence: missense variant. On other transcripts: intron variant (1).
Genome position (GRCh38, 1-based): chr2:32,250,404, T>C on the plus strand (A>G on the coding strand, the complement: NLRC4 is on the minus strand). VCF-style: chr2-32250404-T-C. GRCh37 (hg19) VCF-style: chr2-32475473-T-C.
Other names: c.1460A>G, p.Tyr487Cys (NM_001199139.2, NM_021209.5); c.262+2015A>G (NM_001302504.1); short protein forms Y487C.
Identifiers: ClinVar variation 2135187 (VCV002135187.4), dbSNP rs1178000223, ClinGen allele CA346512412.
Genomic context (GRCh38, chr2:32,250,404, plus strand): 5'-TTCATAACAGCCCTGGTGGCTTCCACAGATGACCCACAGGTGTACCGGAGCAGGCTGCTA[T>C]AAGTGGATGTAATGTCCGAAATGGAAACCATTTTCTGCAAGTAACCATTCCCCTTGGTCA-3'
Protein context (NP_001186067.1, residues 477-497): MVSISDITST[Tyr487Cys]SSLLRYTCGS

ClinVar aggregate classification (germline): Uncertain significance (1 of 4 stars; one submission).

Conditions:
Periodic fever-infantile enterocolitis-autoinflammatory syndrome. Also called: Autoinflammation with infantile enterocolitis. Identifiers: Orphanet 436166, MedGen C4015067, MONDO:0014472, OMIM 616050.
Familial cold autoinflammatory syndrome 4 (FCAS4). Identifiers: Orphanet 47045, Orphanet 576349, MedGen C4015276, MONDO:0014498, OMIM 616115.

Allele frequency attached by ClinVar (database versions not stated): gnomAD exomes below 0.00001; TOPMed below 0.00001.
gnomAD v4.1: 2 of 1,614,206 alleles (0.00012%); highest among the groups gnomAD compares: East Asian, 0.0022%; no homozygotes.

Submission:

Labcorp Genetics (formerly Invitae), Labcorp
Classification: Uncertain significance for Periodic fever-infantile enterocolitis-autoinflammatory syndrome; Familial cold autoinflammatory syndrome 4. Last evaluated: 2022-05-27. Review status: criteria provided, single submitter. Criteria: Invitae Variant Classification Sherloc (09022015). Collection method: clinical testing. Allele origin: germline.
Comment: Algorithms developed to predict the effect of missense changes on protein structure and function (SIFT, PolyPhen-2, Align-GVGD) all suggest that this variant is likely to be disruptive. In summary, the available evidence is currently insufficient to determine the role of this variant in disease. Therefore, it has been classified as a Variant of Uncertain Significance. This variant has not been reported in the literature in individuals affected with NLRC4-related conditions. This variant is present in population databases (no rsID available, gnomAD 0.0009%). This sequence change replaces tyrosine, which is neutral and polar, with cysteine, which is neutral and slightly polar, at codon 487 of the NLRC4 protein (p.Tyr487Cys).